The following is an entry in ClinVar:

NM_001242896.3(DEPDC5):c.3717dup (p.Ile1240fs)

Gene: DEPDC5 (DEP domain containing 5, GATOR1 subcomplex subunit; plus strand). Cytogenetic location: 22q12.3.
Variant type: Duplication.
Coding change: c.3717dup on transcript NM_001242896.3 (MANE Select); coding-DNA position 3717, one base duplicated (C; older notation c.3717dupC).
Protein change: p.Ile1240fs; shifts the reading frame from isoleucine 1240.
Molecular consequence: frameshift variant. On other transcripts: non-coding transcript variant (2).
Genome position (GRCh38, 1-based): chr22:31,876,177, C duplicated. VCF-style (leftmost placement, unchanged base first): chr22-31876176-T-TC. GRCh37 (hg19) VCF-style: chr22-32272162-T-TC.
Other names: c.3690dup, p.Ile1231fs (NM_001136029.4); c.3417dup, p.Ile1140fs (NM_001242897.2); c.3651dup, p.Ile1218fs (NM_001363852.2, NM_001364320.2); c.3483dup, p.Ile1162fs (NM_001363854.2, NM_001364319.2); c.3717dup, p.Ile1240fs (NM_001364318.2); c.3633dup, p.Ile1212fs (NM_001369901.1, NM_001369902.1); c.3624dup, p.Ile1209fs (NM_001369903.1, NM_014662.6); short protein forms I1212fs, I1218fs, I1209fs, I1140fs, I1162fs, I1231fs, I1240fs.
Identifiers: ClinVar variation 1380956 (VCV001380956.6), dbSNP rs2149267082, ClinGen allele CA2573158003.

ClinVar aggregate classification (germline): Pathogenic (1 of 4 stars; one submission).

Conditions:
Familial focal epilepsy with variable foci (FPEVF). Identifiers: Orphanet 98820, MedGen C1858477, MONDO:0020310.

Submission:

Labcorp Genetics (formerly Invitae), Labcorp
Classification: Pathogenic for Familial focal epilepsy with variable foci. Last evaluated: 2021-04-03. Review status: criteria provided, single submitter. Criteria: Invitae Variant Classification Sherloc (09022015). Collection method: clinical testing. Allele origin: germline.
Comment: This sequence change creates a premature translational stop signal (p.Ile1240Hisfs*56) in the DEPDC5 gene. It is expected to result in an absent or disrupted protein product. Loss-of-function variants in DEPDC5 are known to be pathogenic (PMID: 23542697, 23542701). For these reasons, this variant has been classified as Pathogenic. This variant has not been reported in the literature in individuals with DEPDC5-related conditions. This variant is not present in population databases (ExAC no frequency).

Literature cited by the submitters: PubMed 23542697; PubMed 23542701.